The following is an entry in ClinVar:

NM_025179.4(PLXNA2):c.3543C>T (p.Tyr1181=)

Gene: PLXNA2 (plexin A2; minus strand). Cytogenetic location: 1q32.2.
Variant type: single nucleotide variant.
Coding change: c.3543C>T on transcript NM_025179.4 (MANE Select); coding-DNA position 3543, C replaced by T.
Protein change: p.Tyr1181=; no amino-acid change (tyrosine 1181 retained).
Molecular consequence: synonymous variant.
Genome position (GRCh38, 1-based): chr1:208,045,163, G>A on the plus strand (C>T on the coding strand, the complement: PLXNA2 is on the minus strand). VCF-style: chr1-208045163-G-A. GRCh37 (hg19) VCF-style: chr1-208218508-G-A.
Identifiers: ClinVar variation 4988508 (VCV004988508.1).
Genomic context (GRCh38, chr1:208,045,163, plus strand): 5'-GCAGAGAAGCTGGGTCTCAGATACGGTGACAGCACAAGGGGTCTCTCCGATGAGCACAGT[G>A]TAGTTGAGTTTGGCCCCTCCAGAGGCAGGAGGGCAGAGGTTTTTGCCCTGTAGAGAATAG-3'
Protein context (NP_079455.3, residues 1171-1191): PPASGGAKLN[Tyr1181=]TVLIGETPCA

ClinVar aggregate classification (germline): Likely benign (1 of 4 stars; one submission).

Conditions:
PLXNA2-related disorder. Also called: PLXNA2-related condition.

gnomAD v4.1: 5 of 1,614,070 alleles (0.00031%); highest among the groups gnomAD compares: African/African-American, 0.0027%; no homozygotes.

Submission:

PreventionGenetics, part of Exact Sciences
Classification: Likely benign for PLXNA2-related condition. Last evaluated: 2025-06-09. Review status: criteria provided, single submitter. Criteria: ACMG Guidelines, 2015. Collection method: clinical testing. Allele origin: germline.
Comment: This variant is classified as likely benign based on ACMG/AMP sequence variant interpretation guidelines (Richards et al. 2015 PMID: 25741868, with internal and published modifications).